The following is an entry in ClinVar:

NM_005618.4(DLL1):c.1018G>A (p.Gly340Arg)

Gene: DLL1 (delta like canonical Notch ligand 1; minus strand). Cytogenetic location: 6q27.
Variant type: single nucleotide variant.
Coding change: c.1018G>A on transcript NM_005618.4 (MANE Select); coding-DNA position 1018, G replaced by A.
Protein change: p.Gly340Arg; replaces glycine 340 with arginine.
Molecular consequence: missense variant.
Genome position (GRCh38, 1-based): chr6:170,285,268, C>T on the plus strand (G>A on the coding strand, the complement: DLL1 is on the minus strand). VCF-style: chr6-170285268-C-T. GRCh37 (hg19) VCF-style: chr6-170594356-C-T.
Other names: c.1018G>A (NM_005618.3); short protein forms G340R.
Identifiers: ClinVar variation 1359695 (VCV001359695.9), dbSNP rs754128922, ClinGen allele CA4106961.

ClinVar aggregate classification (germline): Uncertain significance. Review status: criteria provided, multiple submitters, no conflicts (2 of 4 stars). 2 submissions from 2 submitters: Uncertain significance (2). Last evaluated 2024-02-17.

Conditions:
Inborn genetic diseases. Identifiers: MedGen C0950123, MeSH D030342.

Allele frequency attached by ClinVar (database versions not stated): gnomAD exomes below 0.00001 and 0.00002; TOPMed below 0.00001; gnomAD 0.00001; ExAC 0.00004.
gnomAD v4.1: 8 of 1,614,060 alleles (0.0005%); highest among the groups gnomAD compares: Middle Eastern, 0.016%; no homozygotes.

Submissions (2):

Labcorp Genetics (formerly Invitae), Labcorp
Classification: Uncertain significance. Last evaluated: 2024-02-17. Review status: criteria provided, single submitter. Criteria: Invitae Variant Classification Sherloc (09022015). Collection method: clinical testing. Allele origin: germline.
Comment: This sequence change replaces glycine, which is neutral and non-polar, with arginine, which is basic and polar, at codon 340 of the DLL1 protein (p.Gly340Arg). This variant is present in population databases (rs754128922, gnomAD 0.01%). This variant has not been reported in the literature in individuals affected with DLL1-related conditions. ClinVar contains an entry for this variant (Variation ID: 1359695). An algorithm developed to predict the effect of missense changes on protein structure and function (PolyPhen-2) suggests that this variant is likely to be disruptive. In summary, the available evidence is currently insufficient to determine the role of this variant in disease. Therefore, it has been classified as a Variant of Uncertain Significance.

Ambry Genetics
Classification: Uncertain significance for Inborn genetic diseases. Last evaluated: 2022-05-01. Review status: criteria provided, single submitter. Criteria: Ambry Variant Classification Scheme 2023. Collection method: clinical testing. Allele origin: germline.